The following is an entry in ClinVar:

NC_000022.11:g.40346477_40346491dup

Gene: ADSL (adenylosuccinate lyase; plus strand). Cytogenetic location: 22q13.1.
Variant type: Duplication.
Genome position: GRCh38 VCF-style: chr22-40346472-C-CGCCCCGCCCCGTCCT. GRCh37 (hg19) VCF-style: chr22-40742476-C-CGCCCCGCCCCGTCCT.
Identifiers: ClinVar variation 2054446 (VCV002054446.2), dbSNP rs1415547628, ClinGen allele CA753180117.

ClinVar aggregate classification (germline): Uncertain significance (1 of 4 stars; one submission).

Conditions:
Adenylosuccinate lyase deficiency (ADSLD). Also called: ADSL DEFICIENCY. Identifiers: Orphanet 46, MedGen C0268126, MONDO:0007068, OMIM 103050.

Submission:

Labcorp Genetics (formerly Invitae), Labcorp
Classification: Uncertain significance for Adenylosuccinate lyase deficiency. Last evaluated: 2022-03-25. Review status: criteria provided, single submitter. Criteria: Invitae Variant Classification Sherloc (09022015). Collection method: clinical testing. Allele origin: germline.
Comment: This variant occurs in a non-coding region of the ADSL gene. It does not change the encoded amino acid sequence of the ADSL protein. This variant is not present in population databases (gnomAD no frequency). This variant has not been reported in the literature in individuals affected with ADSL-related conditions. Experimental studies and prediction algorithms are not available or were not evaluated, and the functional significance of this variant is currently unknown. In summary, the available evidence is currently insufficient to determine the role of this variant in disease. Therefore, it has been classified as a Variant of Uncertain Significance.